The following is an entry in ClinVar:

ClinVar aggregate classification (germline): Uncertain significance (1 of 4 stars; one submission).

Allele frequency attached by ClinVar (database versions not stated): TOPMed below 0.00001; gnomAD 0.00001.
gnomAD v4.1: 3 of 1,614,106 alleles (0.00019%); highest among the groups gnomAD compares: Non-Finnish European, 0.000085%; no homozygotes.

Submission:

Labcorp Genetics (formerly Invitae), Labcorp
Classification: Uncertain significance. Last evaluated: 2023-11-12. Review status: criteria provided, single submitter. Criteria: Invitae Variant Classification Sherloc (09022015). Collection method: clinical testing. Allele origin: germline.
Comment: This sequence change replaces leucine, which is neutral and non-polar, with proline, which is neutral and non-polar, at codon 897 of the ALPK1 protein (p.Leu897Pro). This variant is not present in population databases (gnomAD no frequency). This variant has not been reported in the literature in individuals affected with ALPK1-related conditions. Advanced modeling of protein sequence and biophysical properties (such as structural, functional, and spatial information, amino acid conservation, physicochemical variation, residue mobility, and thermodynamic stability) performed at Invitae indicates that this missense variant is not expected to disrupt ALPK1 protein function with a negative predictive value of 80%. In summary, the available evidence is currently insufficient to determine the role of this variant in disease. Therefore, it has been classified as a Variant of Uncertain Significance.

NM_025144.4(ALPK1):c.2690T>C (p.Leu897Pro)

Gene: ALPK1 (alpha kinase 1; plus strand). Cytogenetic location: 4q25.
Variant type: single nucleotide variant.
Coding change: c.2690T>C on transcript NM_025144.4 (MANE Select); coding-DNA position 2690, T replaced by C.
Protein change: p.Leu897Pro; replaces leucine 897 with proline.
Molecular consequence: missense variant.
Genome position (GRCh38, 1-based): chr4:112,432,237, T>C. VCF-style: chr4-112432237-T-C. GRCh37 (hg19) VCF-style: chr4-113353393-T-C.
Other names: c.2690T>C, p.Leu897Pro (NM_001102406.2); c.2456T>C, p.Leu819Pro (NM_001253884.2); short protein forms L819P, L897P.
Identifiers: ClinVar variation 2890610 (VCV002890610.3), dbSNP rs991704968, ClinGen allele CA103764131.